The following is an entry in ClinVar:

NM_001035.3(RYR2):c.11260A>G (p.Met3754Val)

Gene: RYR2 (ryanodine receptor 2; plus strand). Cytogenetic location: 1q43.
Variant type: single nucleotide variant.
Coding change: c.11260A>G on transcript NM_001035.3 (MANE Select); coding-DNA position 11260, A replaced by G.
Protein change: p.Met3754Val; replaces methionine 3754 with valine.
Molecular consequence: missense variant.
Genome position (GRCh38, 1-based): chr1:237,757,711, A>G. VCF-style: chr1-237757711-A-G. GRCh37 (hg19) VCF-style: chr1-237921011-A-G.
Other names: short protein forms M3754V.
Identifiers: ClinVar variation 3627677 (VCV003627677.3).

ClinVar aggregate classification (germline): Uncertain significance. Review status: criteria provided, multiple submitters, no conflicts (2 of 4 stars). 2 submissions from 2 submitters: Uncertain significance (2). Last evaluated 2024-08-12.

Conditions:
Catecholaminergic polymorphic ventricular tachycardia 1. Also called: RYR2-Related Catecholaminergic Polymorphic Ventricular Tachycardia; VENTRICULAR TACHYCARDIA, STRESS-INDUCED POLYMORPHIC 1; VENTRICULAR TACHYCARDIA, CATECHOLAMINERGIC POLYMORPHIC, 1, WITH OR WITHOUT ATRIAL DYSFUNCTION AND/OR DILATED CARDIOMYOPATHY. Identifiers: Orphanet 3286, MedGen C1631597, MONDO:0011484, OMIM 604772.

Submissions (2):

Blueprint Genetics
Classification: Uncertain significance. Last evaluated: 2024-08-12. Review status: criteria provided, single submitter. Criteria: ACMG Guidelines, 2015. Collection method: clinical testing. Allele origin: germline.

Labcorp Genetics (formerly Invitae), Labcorp
Classification: Uncertain significance for Catecholaminergic polymorphic ventricular tachycardia 1. Last evaluated: 2024-06-03. Review status: criteria provided, single submitter. Criteria: Invitae Variant Classification Sherloc (09022015). Collection method: clinical testing. Allele origin: germline.
Comment: This sequence change replaces methionine, which is neutral and non-polar, with valine, which is neutral and non-polar, at codon 3754 of the RYR2 protein (p.Met3754Val). This variant is not present in population databases (gnomAD no frequency). This variant has not been reported in the literature in individuals affected with RYR2-related conditions. Advanced modeling of protein sequence and biophysical properties (such as structural, functional, and spatial information, amino acid conservation, physicochemical variation, residue mobility, and thermodynamic stability) performed at Invitae indicates that this missense variant is not expected to disrupt RYR2 protein function with a negative predictive value of 95%. In summary, the available evidence is currently insufficient to determine the role of this variant in disease. Therefore, it has been classified as a Variant of Uncertain Significance.